The following is an entry in ClinVar:

ClinVar aggregate classification (germline): Benign/Likely benign. Review status: criteria provided, multiple submitters, no conflicts (2 of 4 stars). 3 submissions from 3 submitters: Benign (2); Likely benign (1). Last evaluated 2025-11-24.

Conditions:
MAPT-Related Spectrum Disorders.
Frontotemporal dementia (FTD1). Also called: FRONTOTEMPORAL LOBAR DEGENERATION WITH TAU INCLUSIONS; FTLD WITH TAU INCLUSIONS; Frontotemporal Dementia with Parkinsonism-17 (FTDP-17); Frontotemporal lobe dementia (FLDEM); Dementia, frontotemporal, with or without parkinsonism; MULTIPLE SYSTEM TAUOPATHY WITH PRESENILE DEMENTIA. Identifiers: Orphanet 282, MedGen C0338451, MONDO:0017276, OMIM 600274, HP:0002145.

Allele frequency attached by ClinVar (database versions not stated): ExAC 0.00008; gnomAD 0.00008 and 0.00009; gnomAD exomes 0.00008 and 0.00011; TOPMed 0.00008; ESP Exome Variant Server 0.00023.

Submissions (3):

Labcorp Genetics (formerly Invitae), Labcorp
Classification: Likely benign for Frontotemporal dementia. Last evaluated: 2025-11-24. Review status: criteria provided, single submitter. Criteria: Invitae Variant Classification Sherloc (09022015). Collection method: clinical testing. Allele origin: germline.

Illumina Laboratory Services, Illumina
Classification: Benign for MAPT-Related Spectrum Disorders. Last evaluated: 2017-11-14. Review status: criteria provided, single submitter. Criteria: ICSL Variant Classification Criteria 13 December 2019. Collection method: clinical testing. Allele origin: germline.
Comment: This variant was observed as part of a predisposition screen in an ostensibly healthy population. A literature search was performed for the gene, cDNA change, and amino acid change (where applicable). No publications were found based on this search. Allele frequency data from public databases was too high to be consistent with this variant causing disease. Therefore, this variant is classified as benign.

Athena Diagnostics
Classification: Benign. Last evaluated: 2017-09-28. Review status: criteria provided, single submitter. Criteria: Athena Diagnostics Criteria. Collection method: clinical testing. Allele origin: germline.

NM_001377265.1(MAPT):c.1938G>A (p.Lys646=)

Gene: MAPT (microtubule associated protein tau). Cytogenetic location: 17q21.31.
Variant type: single nucleotide variant.
Coding change: c.1938G>A on transcript NM_001377265.1 (MANE Select); coding-DNA position 1938, G replaced by A.
Protein change: p.Lys646=; no amino-acid change (lysine 646 retained).
Molecular consequence: synonymous variant. On other transcripts: non-coding transcript variant (1).
Genome position (GRCh38, 1-based): chr17:45,996,604, G>A. VCF-style: chr17-45996604-G-A. GRCh37 (hg19) VCF-style: chr17-44073970-G-A.
Other names: c.1767G>A, p.Lys589= (NM_001123066.4); c.675G>A, p.Lys225= (NM_001123067.4, NM_001203251.2, NM_001377267.1); c.762G>A, p.Lys254= (NM_001203252.2, NM_005910.6); c.1740G>A, p.Lys580= (NM_001377266.1); c.588G>A, p.Lys196= (NM_001377268.1, NM_016834.5, NM_016841.5); c.1713G>A, p.Lys571= (NM_016835.5).
Identifiers: ClinVar variation 586135 (VCV000586135.13), dbSNP rs141636979, ClinGen allele CA8618060.